The following is an entry in ClinVar:

NM_000352.6(ABCC8):c.4141G>A (p.Gly1381Ser)

Gene: ABCC8 (ATP binding cassette subfamily C member 8; minus strand). Cytogenetic location: 11p15.1.
Variant type: single nucleotide variant.
Coding change: c.4141G>A on transcript NM_000352.6 (MANE Select); coding-DNA position 4141, G replaced by A.
Protein change: p.Gly1381Ser; replaces glycine 1381 with serine.
Molecular consequence: missense variant. On other transcripts: non-coding transcript variant (1).
Genome position (GRCh38, 1-based): chr11:17,395,909, C>T on the plus strand (G>A on the coding strand, the complement: ABCC8 is on the minus strand). VCF-style: chr11-17395909-C-T. GRCh37 (hg19) VCF-style: chr11-17417456-C-T.
Other names: c.4144G>A, p.Gly1382Ser (NM_001287174.3); c.4207G>A, p.Gly1403Ser (NM_001351295.2); c.4141G>A, p.Gly1381Ser (NM_001351296.2); c.4138G>A, p.Gly1380Ser (NM_001351297.2); short protein forms G1381S, G1382S, G1403S, G1380S.
Identifiers: ClinVar variation 554372 (VCV000554372.8), dbSNP rs773448052, ClinGen allele CA5902551.

ClinVar aggregate classification (germline): Uncertain significance. Review status: criteria provided, multiple submitters, no conflicts (2 of 4 stars). 6 submissions from 6 submitters: Uncertain significance (4). 2 of the submissions do not count toward it. Last evaluated 2025-09-07.

Conditions:
Hyperinsulinemic hypoglycemia, familial, 1 (HHF1). Also called: Persistent hyperinsulinemic hypoglycemia of infancy; Persistent Hyperinsulinemia Hypoglycemia of Infancy; HYPERINSULINISM, FAMILIAL, WITH PANCREATIC NESIDIOBLASTOSIS; HYPOGLYCEMIA, HYPERINSULINEMIC, OF INFANCY; NESIDIOBLASTOSIS OF PANCREAS. Identifiers: Orphanet 276575, Orphanet 276598, MedGen C2931832, MONDO:0009734, OMIM 256450.
Hereditary hyperinsulinism.
Leucine-induced hypoglycemia (LIH). Also called: LEUCINE-SENSITIVE HYPOGLYCEMIA OF INFANCY. Identifiers: MedGen C0271714, MONDO:0009415, OMIM 240800.
Diabetes mellitus, transient neonatal, 2 (TNDM2). Identifiers: Orphanet 99886, MedGen C1835887, MONDO:0012480, OMIM 610374. Disease mechanism: loss of function.
Type 2 diabetes mellitus. Also called: Type II diabetes mellitus. Identifiers: MedGen C0011860, MeSH D003924, MONDO:0005148, OMIM 125853, HP:0005978.
Diabetes mellitus, permanent neonatal 3. Also called: ABCC8-Related Permanent Neonatal Diabetes Mellitus. Identifiers: MedGen C5394303, MONDO:0030088, OMIM 618857.

Allele frequency attached by ClinVar (database versions not stated): gnomAD exomes 0.00001; ExAC 0.00003.

Submissions (6):

Labcorp Genetics (formerly Invitae), Labcorp
Classification: Uncertain significance. Last evaluated: 2025-09-07. Review status: criteria provided, single submitter. Criteria: Invitae Variant Classification Sherloc (09022015). Collection method: clinical testing. Allele origin: germline.
Comment: This sequence change replaces glycine, which is neutral and non-polar, with serine, which is neutral and polar, at codon 1381 of the ABCC8 protein (p.Gly1381Ser). The frequency data for this variant in the population databases is considered unreliable, as metrics indicate poor data quality at this position in the gnomAD database. This missense change has been observed in individual(s) with autosomal dominant diffuse congenital hyperinsulinism in infancy and/or clinical features of hyperinsulinism (PMID: 9618169, 11697420, 27908292). This variant is also known as c.4144G>A (p.G1382S). ClinVar contains an entry for this variant (Variation ID: 554372). Invitae Evidence Modeling of protein sequence and biophysical properties (such as structural, functional, and spatial information, amino acid conservation, physicochemical variation, residue mobility, and thermodynamic stability) indicates that this missense variant is expected to disrupt ABCC8 protein function with a positive predictive value of 95%. Experimental studies have shown that this missense change affects ABCC8 function (PMID: 9648840). In summary, the available evidence is currently insufficient to determine the role of this variant in disease. Therefore, it has been classified as a Variant of Uncertain Significance.

Fulgent Genetics
Classification: Uncertain significance for Type 2 diabetes mellitus; Leucine-induced hypoglycemia; Hyperinsulinemic hypoglycemia, familial, 1; Diabetes mellitus, transient neonatal, 2; Diabetes mellitus, permanent neonatal 3. Last evaluated: 2024-01-04. Review status: criteria provided, single submitter. Criteria: ACMG Guidelines, 2015. Collection method: clinical testing. Allele origin: germline.

Blueprint Genetics
Classification: Uncertain significance. Last evaluated: 2023-12-28. Review status: criteria provided, single submitter. Criteria: ACMG Guidelines, 2015. Collection method: clinical testing. Allele origin: germline.

Women's Health and Genetics/Laboratory Corporation of America, LabCorp
Classification: Uncertain significance. Last evaluated: 2020-03-31. Review status: criteria provided, single submitter. Criteria: LabCorp Variant Classification Summary - May 2015. Collection method: clinical testing. Allele origin: germline.
Comment: Variant summary: ABCC8 c.4141G>A (p.Gly1381Ser) results in a non-conservative amino acid change located in the ABC transporter-like domain of the encoded protein sequence. Five of five in-silico tools predict a damaging effect of the variant on protein function. The variant allele was found at a frequency of 9.8e-06 in 204398 control chromosomes. c.4141G>A has been reported in the literature in individuals affected with Congenital Hyperinsulinism. One patient had severe persistent hyperinsulinemic hypoglycemia of infancy, with unknown parental origin for this heterozygous variant (Nestrorowicz_1998). A second patient had transient focal type HI, with paternally inherited p.Gly1381Ser and no second allele reported (Christensen_2001). A third patient had diffuse CHI, and the variant was inherited maternally, without a paternal allele reported (Salomon-Estebanez_2016). These data indicate that the variant may be associated with disease. The variant resulted in functional channels, with a reduced response to stimulation by MgADP, which was suggested to result in hyperinsulinism, since the channel will now be less responsive to an increase of intracellular [ADP]:[ATP] as a consequence of low blood glucose level (Shyng_1998). One clinical diagnostic laboratory has submitted clinical-significance assessments for this variant to ClinVar after 2014 without evidence for independent evaluation and classified the variant as uncertain significance. Based on the evidence outlined above, the variant was classified as VUS-possibly pathogenic.

Natera, Inc.
Classification: Uncertain significance for Hereditary hyperinsulinism. Last evaluated: 2021-01-15. Review status: no assertion criteria provided. Collection method: clinical testing. Allele origin: germline. Not counted in ClinVar's aggregate classification.

Counsyl
Classification: Uncertain significance for Hyperinsulinemic hypoglycemia, familial, 1. Last evaluated: 2017-10-17. Review status: no assertion criteria provided. Collection method: clinical testing. Allele origin: unknown. Not counted in ClinVar's aggregate classification.

Literature cited by the submitters: PubMed 9618169 (cited by 3 submitters); PubMed 11697420 (cited by 3 submitters); PubMed 27908292 (cited by 3 submitters); PubMed 9648840 (cited by 3 submitters).